The following is an entry in ClinVar:

ClinVar aggregate classification (germline): Uncertain significance. Review status: criteria provided, multiple submitters, no conflicts (2 of 4 stars). 3 submissions from 3 submitters: Uncertain significance (3). Last evaluated 2026-01-21.

Conditions:
POLD1-related polyposis and colorectal cancer syndrome (CRCS10). Also called: Colorectal cancer 10; COLORECTAL CANCER, SUSCEPTIBILITY TO, ON CHROMOSOME 19q; Colorectal cancer, susceptibility to, 10. Identifiers: Orphanet 220460, MedGen C2675481, MONDO:0012953, OMIM 612591.
Hereditary cancer-predisposing syndrome. Also called: Neoplastic Syndromes, Hereditary; Hereditary neoplastic syndrome; Tumor predisposition; Hereditary Cancer Syndrome. Identifiers: Orphanet 140162, MedGen C0027672, MeSH D009386, MONDO:0015356.

Allele frequency attached by ClinVar (database versions not stated): gnomAD 0.00003 and 0.00004; TOPMed 0.00003.
gnomAD v4.1: 14 of 1,613,410 alleles (0.00087%); highest among the groups gnomAD compares: Admixed American, 0.0033%; no homozygotes.

Submissions (3):

Labcorp Genetics (formerly Invitae), Labcorp
Classification: Uncertain significance for POLD1-related polyposis and colorectal cancer syndrome. Last evaluated: 2026-01-21. Review status: criteria provided, single submitter. Criteria: Invitae Variant Classification Sherloc (09022015). Collection method: clinical testing. Allele origin: germline.
Comment: This sequence change replaces proline, which is neutral and non-polar, with leucine, which is neutral and non-polar, at codon 404 of the POLD1 protein (p.Pro404Leu). This variant is not present in population databases (gnomAD no frequency). This variant has not been reported in the literature in individuals affected with POLD1-related conditions. ClinVar contains an entry for this variant (Variation ID: 469185). Invitae Evidence Modeling of protein sequence and biophysical properties (such as structural, functional, and spatial information, amino acid conservation, physicochemical variation, residue mobility, and thermodynamic stability) indicates that this missense variant is not expected to disrupt POLD1 protein function with a negative predictive value of 80%. In summary, the available evidence is currently insufficient to determine the role of this variant in disease. Therefore, it has been classified as a Variant of Uncertain Significance.

Ambry Genetics
Classification: Uncertain significance for Hereditary cancer-predisposing syndrome. Last evaluated: 2025-10-07. Review status: criteria provided, single submitter. Criteria: Ambry Variant Classification Scheme 2023. Collection method: clinical testing. Allele origin: germline.
Comment: The p.P404L variant (also known as c.1211C>T), located in coding exon 9 of the POLD1 gene, results from a C to T substitution at nucleotide position 1211. The proline at codon 404 is replaced by leucine, an amino acid with similar properties. This amino acid position is highly conserved in available vertebrate species. In addition, the in silico prediction for this alteration is inconclusive. Since supporting evidence is limited at this time, the clinical significance of this alteration remains unclear.

Baylor Genetics
Classification: Uncertain significance for POLD1-related polyposis and colorectal cancer syndrome. Last evaluated: 2023-09-21. Review status: criteria provided, single submitter. Criteria: ACMG Guidelines, 2015. Collection method: clinical testing. Allele origin: unknown.

NM_002691.4(POLD1):c.1211C>T (p.Pro404Leu)

Gene: POLD1 (DNA polymerase delta 1, catalytic subunit; plus strand). Cytogenetic location: 19q13.33.
Variant type: single nucleotide variant.
Coding change: c.1211C>T on transcript NM_002691.4 (MANE Select); coding-DNA position 1211, C replaced by T.
Protein change: p.Pro404Leu; replaces proline 404 with leucine.
Molecular consequence: missense variant. On other transcripts: non-coding transcript variant (1).
Genome position (GRCh38, 1-based): chr19:50,403,566, C>T. VCF-style: chr19-50403566-C-T. GRCh37 (hg19) VCF-style: chr19-50906823-C-T.
Other names: c.1211C>T, p.Pro404Leu (NM_001256849.1, NM_001308632.1); short protein forms P404L.
Identifiers: ClinVar variation 469185 (VCV000469185.16), dbSNP rs1260247042, ClinGen allele CA406978589.